The following is an entry in ClinVar:

ClinVar aggregate classification (germline): Uncertain significance. Review status: criteria provided, multiple submitters, no conflicts (2 of 4 stars). 2 submissions from 2 submitters: Uncertain significance (2). Last evaluated 2025-10-01.

Conditions:
Cohen syndrome (COH1). Also called: PEPPER SYNDROME; Cutis verticis gyrata, retinitis pigmentosa, and sensorineural deafness. Identifiers: Orphanet 193, MedGen C0265223, MONDO:0008999, OMIM 216550.

gnomAD v4.1: 17 of 1,613,626 alleles (0.0011%); highest among the groups gnomAD compares: South Asian, 0.0011%; no homozygotes.

Submissions (2):

Labcorp Genetics (formerly Invitae), Labcorp
Classification: Uncertain significance for Cohen syndrome. Last evaluated: 2025-10-01. Review status: criteria provided, single submitter. Criteria: Invitae Variant Classification Sherloc (09022015). Collection method: clinical testing. Allele origin: germline.
Comment: This sequence change replaces arginine, which is basic and polar, with cysteine, which is neutral and slightly polar, at codon 2666 of the VPS13B protein (p.Arg2666Cys). This variant is present in population databases (rs778373637, gnomAD 0.02%). This variant has not been reported in the literature in individuals affected with VPS13B-related conditions. Invitae Evidence Modeling of protein sequence and biophysical properties (such as structural, functional, and spatial information, amino acid conservation, physicochemical variation, residue mobility, and thermodynamic stability) indicates that this missense variant is expected to disrupt VPS13B protein function with a positive predictive value of 80%. In summary, the available evidence is currently insufficient to determine the role of this variant in disease. Therefore, it has been classified as a Variant of Uncertain Significance.

Blueprint Genetics
Classification: Uncertain significance. Last evaluated: 2021-03-12. Review status: criteria provided, single submitter. Criteria: ACMG Guidelines, 2015. Collection method: clinical testing. Allele origin: germline.

NM_152564.5(VPS13B):c.7921C>T (p.Arg2641Cys)

Gene: VPS13B (vacuolar protein sorting 13 homolog B; plus strand). Cytogenetic location: 8q22.2.
Variant type: single nucleotide variant.
Coding change: c.7921C>T on transcript NM_152564.5 (MANE Select); coding-DNA position 7921, C replaced by T.
Protein change: p.Arg2641Cys; replaces arginine 2641 with cysteine.
Molecular consequence: missense variant.
Genome position (GRCh38, 1-based): chr8:99,784,456, C>T. VCF-style: chr8-99784456-C-T. GRCh37 (hg19) VCF-style: chr8-100796684-C-T.
Other names: c.7996C>T, p.Arg2666Cys (NM_017890.5); short protein forms R2666C, R2641C.
Identifiers: ClinVar variation 4740807 (VCV004740807.2).
Genomic context (GRCh38, chr8:99,784,456, plus strand): 5'-CAGGTGGATACTGATGAAAATATTCTGCTGGCGAGTCTCCACAGTCACCAGTACAGCTGG[C>T]GCTCTCACAAATCCCCACAGGTATTTGAGAAACACCCTTACAAACAGCCATTGTTAAGGT-3'
Protein context (NP_689777.3, residues 2631-2651): ASLHSHQYSW[Arg2641Cys]SHKSPQLLHI